The following is an entry in ClinVar:

NM_001358921.2(COQ2):c.132del (p.Gln44fs)

Genes: COQ2 (coenzyme Q2, polyprenyltransferase; minus strand), LOC112997540 (Sharpr-MPRA regulatory region 13773; plus strand). Cytogenetic location: 4q21.23.
Variant type: Deletion.
Coding change: c.132del on transcript NM_001358921.2 (MANE Select); coding-DNA position 132, one base deleted (G; older notation c.132delG).
Protein change: p.Gln44fs; shifts the reading frame from glutamine 44.
Molecular consequence: frameshift variant.
Genome position (GRCh38, 1-based): chr4:83,284,633, C deleted on the plus strand (G on the coding strand, the reverse complement: COQ2 is on the minus strand). VCF-style (leftmost placement, unchanged base first): chr4-83284632-GC-G. GRCh37 (hg19) VCF-style: chr4-84205785-GC-G.
Other names: c.282del, p.Gln94fs (NM_015697.9); c.282delG (NM_015697.9); short protein forms Q44fs, Q94fs.
Identifiers: ClinVar variation 214229 (VCV000214229.2), dbSNP rs863223936, ClinGen allele CA324714.

ClinVar aggregate classification (germline): Pathogenic. Review status: criteria provided, multiple submitters, no conflicts (2 of 4 stars). 2 submissions from 2 submitters: Pathogenic (2). Last evaluated 2026-04-30.

Conditions:
Coenzyme Q10 deficiency, primary, 1. Also called: UBIQUINONE DEFICIENCY 1; COENZYME Q DEFICIENCY 1; CoQ DEFICIENCY 1. Identifiers: Orphanet 255249, MedGen C3551954, MONDO:0011829, OMIM 607426.

Allele frequency attached by ClinVar (database versions not stated): gnomAD exomes below 0.00001.

Submissions (2):

Women's Health and Genetics/Laboratory Corporation of America, LabCorp
Classification: Pathogenic for Coenzyme Q10 deficiency, primary, 1. Last evaluated: 2026-04-30. Review status: criteria provided, single submitter. Criteria: LabCorp Variant Classification Summary - May 2015. Collection method: clinical testing. Allele origin: germline.
Comment: Variant summary: COQ2 c.282delG (p.Gln94HisfsX78) results in a premature termination codon, predicted to cause a truncation of the encoded protein or absence of the protein due to nonsense mediated decay, which are commonly known mechanisms for disease. The variant was absent in 96076 control chromosomes (gnomAD). c.282delG has been observed in one individual affected with hypertrophic cardiomyopathy (Salazar-Mendigucha_2020). The report does not provide unequivocal conclusions about association of the variant with Coenzyme Q10 Deficiency, Primary, 1. To our knowledge, no experimental evidence demonstrating an impact on protein function has been reported. The following publication have been ascertained in the context of this evaluation (PMID: 32451364). ClinVar contains an entry for this variant (Variation ID: 214229). Based on the evidence outlined above, the variant was classified as pathogenic.

GeneDx
Classification: Pathogenic. Last evaluated: 2013-05-10. Review status: criteria provided, single submitter. Criteria: GeneDx Variant Classification (06012015). Collection method: clinical testing. Allele origin: germline. Affected: yes.
Comment: c.282delG: p.Gln94HisfsX78 (Q94Hfsx78) in exon 1 of the COQ2 gene (NM_015697.7). The normal sequence with the base that is deleted in braces is: TGCA{G}CCCC.The c.282delG mutation in the COQ2 gene causes a frameshift starting with codon Glutamine 94, changes this amino acid to a Histidine residue and creates a premature Stop codon at position 78 of the new reading frame, denoted p.Gln94HisfsX78. This mutation is predicted to cause loss of normal protein function either through protein truncation or nonsense-mediated mRNA decay. Although this mutation has not been previously reported to our knowledge, it is expected to be a pathogenic mutation. The variant is found in MITONUC-MITOP panel(s).

Literature cited by the submitters: PubMed 32451364 (cited by Women's Health and Genetics/Laboratory Corporation of America, LabCorp).